The following is an entry in ClinVar:

NM_014908.4(DOLK):c.1557C>T (p.Tyr519=)

Gene: DOLK (dolichol kinase; minus strand). Cytogenetic location: 9q34.11.
Variant type: single nucleotide variant.
Coding change: c.1557C>T on transcript NM_014908.4 (MANE Select); coding-DNA position 1557, C replaced by T.
Protein change: p.Tyr519=; no amino-acid change (tyrosine 519 retained).
Molecular consequence: synonymous variant.
Genome position (GRCh38, 1-based): chr9:128,945,747, G>A on the plus strand (C>T on the coding strand, the complement: DOLK is on the minus strand). VCF-style: chr9-128945747-G-A. GRCh37 (hg19) VCF-style: chr9-131708026-G-A.
Other names: p.Tyr519=.
Identifiers: ClinVar variation 757278 (VCV000757278.15), dbSNP rs367609050, ClinGen allele CA5271545.

ClinVar aggregate classification (germline): Likely benign. Review status: criteria provided, multiple submitters, no conflicts (2 of 4 stars). 4 submissions from 4 submitters: Likely benign (4). Last evaluated 2026-07-21.

Conditions:
DK1-congenital disorder of glycosylation. Also called: DK1-CDG; CONGENITAL DISORDER OF GLYCOSYLATION, TYPE Im; CDG Im; DK1 DEFICIENCY; DOLICHOL KINASE DEFICIENCY; DOLK-congenital disorder of glycosylation. Identifiers: Orphanet 91131, MedGen C1835849, MONDO:0012556, OMIM 610768.
DOLK-related disorder. Also called: DOLK-related condition.
Cardiovascular phenotype. Identifiers: MedGen CN230736.

Allele frequency attached by ClinVar (database versions not stated): gnomAD exomes 0.00001 and 0.00002; ExAC 0.00002; gnomAD 0.00005 and 0.00006; TOPMed 0.00005; ESP Exome Variant Server 0.00008.
gnomAD v4.1: 39 of 1,614,034 alleles (0.0024%); highest among the groups gnomAD compares: African/African-American, 0.012%; no homozygotes.

Submissions (4):

PreventionGenetics, part of Exact Sciences
Classification: Likely benign for DOLK-related condition. Last evaluated: 2026-07-21. Review status: criteria provided, single submitter. Criteria: ACMG Guidelines, 2015. Collection method: clinical testing. Allele origin: germline.
Comment: This variant is classified as likely benign based on ACMG/AMP sequence variant interpretation guidelines (Richards et al. 2015 PMID: 25741868, with internal and published modifications).

Mayo Clinic Laboratories, Mayo Clinic
Classification: Likely benign. Last evaluated: 2025-07-22. Review status: criteria provided, single submitter. Criteria: ACMG Guidelines, 2015. Collection method: clinical testing. Allele origin: germline. Observed: 1 variant allele.
Comment: BP4, BP7

Labcorp Genetics (formerly Invitae), Labcorp
Classification: Likely benign for DK1-congenital disorder of glycosylation. Last evaluated: 2025-06-08. Review status: criteria provided, single submitter. Criteria: Invitae Variant Classification Sherloc (09022015). Collection method: clinical testing. Allele origin: germline.

Ambry Genetics
Classification: Likely benign for Cardiovascular phenotype. Last evaluated: 2021-07-29. Review status: criteria provided, single submitter. Criteria: Ambry Variant Classification Scheme 2023. Collection method: clinical testing. Allele origin: germline.